The following is an entry in ClinVar:

NM_003931.3(WASF1):c.1473del (p.Pro492fs)

Gene: WASF1 (WASP family member 1; minus strand). Cytogenetic location: 6q21.
Variant type: Deletion.
Coding change: c.1473del on transcript NM_003931.3 (MANE Select); coding-DNA position 1473, one base deleted (A; older notation c.1473delA).
Protein change: p.Pro492fs; shifts the reading frame from proline 492.
Molecular consequence: frameshift variant.
Genome position (GRCh38, 1-based): chr6:110,101,637, T deleted on the plus strand (A on the coding strand, the reverse complement: WASF1 is on the minus strand). VCF-style (leftmost placement, unchanged base first): chr6-110101636-GT-G. GRCh37 (hg19) VCF-style: chr6-110422839-GT-G.
Other names: c.1473del, p.Pro492fs (NM_001024934.2, NM_001024935.2, NM_001024936.2); short protein forms P492fs.
Identifiers: ClinVar variation 3255117 (VCV003255117.1), dbSNP rs2534211115.
Genomic context (GRCh38, chr6:110,101,636, plus strand): 5'-TGAGAAAATTACCTTTTCGTATTGCTTCCAGTAGCACACTCCTGGCATCACTGATTACAG[GT>G]AGGGTTGATGGATGGCGCTTTGGCTCAGAAGCAGGTATAACTTGTGATGGAGGAGATGGA-3'

ClinVar aggregate classification (germline): Pathogenic (1 of 4 stars; one submission).

Conditions:
Neurodevelopmental disorder with absent language and variable seizures. Also called: ITO-RAYMOND SYNDROME. Identifiers: MedGen C5231469, MONDO:0032876, OMIM 618707.

Submission:

Victorian Clinical Genetics Services, Murdoch Childrens Research Institute
Classification: Pathogenic for Neurodevelopmental disorder with absent language and variable seizures. Last evaluated: 2023-07-17. Review status: criteria provided, single submitter. Criteria: ACMG Guidelines, 2015. Collection method: clinical testing. Allele origin: germline. Inheritance: Autosomal dominant inheritance. Affected: yes.
Comment: Based on the classification scheme VCGS_Germline_v1.3.4, this variant is classified as Pathogenic. Following criteria are met: 0102 - Loss of function is a likely mechanism of disease in this gene and is associated with neurodevelopmental disorder with absent language and variable seizures (MIM#618707). However, dominant negative has not been excluded (PMID: 29961568). (I) 0107 - This gene is associated with autosomal dominant disease. (I) 0205 - Variant is predicted to result in a truncated protein (premature termination codon is NOT located at least 54 nucleotides upstream of the final exon-exon junction) with less than 1/3 of the protein sequence affected. (SP) 0251 - This variant is heterozygous. (I) 0301 - Variant is absent from gnomAD (both v2 and v3). (SP) 0600 - Variant results in the loss of the annotated WASP homology 2 domain (PMID: 29961568). (I) 0702 - Other protein truncating variants comparable to the one identified in this case have strong previous evidence for pathogenicity. These variants have been reported as pathogenic, and observed in multiple individuals with a neurodevelopmental disorder (ClinVar, PMID: 29961568). (SP) 0807 - This variant has no previous evidence of pathogenicity. (I) 0905 - No published segregation evidence has been identified for this variant. (I) 1007 - No published functional evidence has been identified for this variant. (SP) Legend: (SP) - Supporting pathogenic, (I) - Information, (SB) - Supporting benign

Literature cited by the submitters: PubMed 29961568.